The following is an entry in ClinVar:

NM_021076.4(NEFH):c.35_55dup (p.Leu18_His19insArgAlaProPheAlaProLeu)

Gene: NEFH (neurofilament heavy chain; plus strand). Cytogenetic location: 22q12.2.
Variant type: Duplication.
Coding change: c.35_55dup on transcript NM_021076.4 (MANE Select); coding-DNA positions 35 to 55, 21 bases duplicated (GCGCCCCGTTCGCGCCGCTGC).
Protein change: p.Leu18_His19insArgAlaProPheAlaProLeu.
Genome position (GRCh38, 1-based): chr22:29,480,297-29,480,317, GCGCCCCGTTCGCGCCGCTGC duplicated. VCF-style (leftmost placement, unchanged base first): chr22-29480296-G-GGCGCCCCGTTCGCGCCGCTGC. GRCh37 (hg19) VCF-style: chr22-29876285-G-GGCGCCCCGTTCGCGCCGCTGC.
Identifiers: ClinVar variation 4763811 (VCV004763811.1).

ClinVar aggregate classification (germline): Uncertain significance (1 of 4 stars; one submission).

Submission:

Labcorp Genetics (formerly Invitae), Labcorp
Classification: Uncertain significance. Last evaluated: 2025-10-15. Review status: criteria provided, single submitter. Criteria: Invitae Variant Classification Sherloc (09022015). Collection method: clinical testing. Allele origin: germline.
Comment: This variant, c.35_55dup, results in the insertion of 7 amino acid(s) of the NEFH protein (p.Leu18_His19ins7), but otherwise preserves the integrity of the reading frame. This variant is not present in population databases (gnomAD no frequency). This variant has not been reported in the literature in individuals affected with NEFH-related conditions. Experimental studies and prediction algorithms are not available or were not evaluated, and the functional significance of this variant is currently unknown. In summary, the available evidence is currently insufficient to determine the role of this variant in disease. Therefore, it has been classified as a Variant of Uncertain Significance.